The following is an entry in ClinVar:

ClinVar aggregate classification (germline): Uncertain significance. Review status: criteria provided, multiple submitters, no conflicts (2 of 4 stars). 2 submissions from 2 submitters: Uncertain significance (2). Last evaluated 2024-04-07.

Conditions:
Retinitis pigmentosa 51 (RP51). Identifiers: Orphanet 791, MedGen C3150715, MONDO:0013274, OMIM 613464.
Bardet-Biedl syndrome 8 (BBS8). Identifiers: Orphanet 110, MedGen C1859566, MONDO:0014436, OMIM 615985.
Bardet-Biedl syndrome (BBS). Identifiers: Orphanet 110, MedGen C0752166, MONDO:0015229.

Allele frequency attached by ClinVar (database versions not stated): ExAC 0.00001; gnomAD exomes 0.00001.
gnomAD v4.1: 13 of 1,614,140 alleles (0.00081%); highest among the groups gnomAD compares: Non-Finnish European, 0.0011%; no homozygotes.

Submissions (2):

Fulgent Genetics
Classification: Uncertain significance for Retinitis pigmentosa 51; Bardet-Biedl syndrome 8. Last evaluated: 2024-04-07. Review status: criteria provided, single submitter. Criteria: ACMG Guidelines, 2015. Collection method: clinical testing. Allele origin: germline.

Labcorp Genetics (formerly Invitae), Labcorp
Classification: Uncertain significance for Bardet-Biedl syndrome. Last evaluated: 2022-07-19. Review status: criteria provided, single submitter. Criteria: Invitae Variant Classification Sherloc (09022015). Collection method: clinical testing. Allele origin: germline.
Comment: Algorithms developed to predict the effect of missense changes on protein structure and function (SIFT, PolyPhen-2, Align-GVGD) all suggest that this variant is likely to be tolerated. In summary, the available evidence is currently insufficient to determine the role of this variant in disease. Therefore, it has been classified as a Variant of Uncertain Significance. ClinVar contains an entry for this variant (Variation ID: 1466682). This variant is present in population databases (rs758294605, gnomAD 0.002%). This variant has not been reported in the literature in individuals affected with TTC8-related conditions. This sequence change replaces asparagine, which is neutral and polar, with aspartic acid, which is acidic and polar, at codon 90 of the TTC8 protein (p.Asn90Asp).

NM_144596.4(TTC8):c.298A>G (p.Asn100Asp)

Gene: TTC8 (tetratricopeptide repeat domain 8; plus strand). Cytogenetic location: 14q31.3.
Variant type: single nucleotide variant.
Coding change: c.298A>G on transcript NM_144596.4 (MANE Select); coding-DNA position 298, A replaced by G.
Protein change: p.Asn100Asp; replaces asparagine 100 with aspartic acid.
Molecular consequence: missense variant. On other transcripts: 5 prime UTR variant (2), non-coding transcript variant (1).
Genome position (GRCh38, 1-based): chr14:88,840,897, A>G. VCF-style: chr14-88840897-A-G. GRCh37 (hg19) VCF-style: chr14-89307241-A-G.
Other names: c.268A>G, p.Asn90Asp (NM_001288781.1, NM_001366535.2, NM_001366536.2 and 2 more transcripts); c.-295A>G (NM_001288782.1); c.-390A>G (NM_001288783.1); short protein forms N90D, N100D.
Identifiers: ClinVar variation 1466682 (VCV001466682.7), dbSNP rs758294605, ClinGen allele CA7302420.